The following is an entry in ClinVar:

NM_000492.4(CFTR):c.379T>C (p.Leu127=)

Gene: CFTR (CF transmembrane conductance regulator; plus strand). Cytogenetic location: 7q31.2.
Variant type: single nucleotide variant.
Coding change: c.379T>C on transcript NM_000492.4 (MANE Select); coding-DNA position 379, T replaced by C.
Protein change: p.Leu127=; no amino-acid change (leucine 127 retained).
Molecular consequence: synonymous variant.
Genome position (GRCh38, 1-based): chr7:117,531,004, T>C. VCF-style: chr7-117531004-T-C. GRCh37 (hg19) VCF-style: chr7-117171058-T-C.
Other names: c.379T>C (NM_000492.3).
Identifiers: ClinVar variation 1634532 (VCV001634532.11), dbSNP rs2116670348, ClinGen allele CA457448654.

ClinVar aggregate classification (germline): Conflicting classifications of pathogenicity. Review status: criteria provided, conflicting classifications (1 of 4 stars). 3 submissions from 3 submitters: Uncertain significance (1); Likely benign (1). 1 of the submissions does not count toward it. Last evaluated 2023-10-04.

Conditions:
CFTR-related disorder (CFTR-RD). Also called: CFTR-related condition; CFTR-related disorders. Identifiers: MedGen C5924204, MONDO:7770004.
Cystic fibrosis (CF). Also called: MUCOVISCIDOSIS. Identifiers: Orphanet 586, MedGen C0010674, MONDO:0009061, OMIM 219700. Disease mechanism: loss of function.

Allele frequency attached by ClinVar (database versions not stated): gnomAD exomes below 0.00001.
gnomAD v4.1: 5 of 1,612,544 alleles (0.00031%); highest among the groups gnomAD compares: Non-Finnish European, 0.00042%; no homozygotes.

Submissions (3):

Labcorp Genetics (formerly Invitae), Labcorp
Classification: Likely benign for Cystic fibrosis. Last evaluated: 2023-10-04. Review status: criteria provided, single submitter. Criteria: Invitae Variant Classification Sherloc (09022015). Collection method: clinical testing. Allele origin: germline.

Ambry Genetics
Classification: Uncertain significance for Cystic fibrosis. Last evaluated: 2022-12-08. Review status: criteria provided, single submitter. Criteria: Ambry Variant Classification Scheme 2023. Collection method: clinical testing. Allele origin: germline.
Comment: The c.379T>C variant (also known as p.L127L), located in coding exon 4 of the CFTR gene, results from a T to C substitution at nucleotide position 379. This nucleotide substitution does not change the leucine at codon 127. This nucleotide position is not well conserved in available vertebrate species. In silico splice site analysis for this alteration is inconclusive. Since supporting evidence is limited at this time, the clinical significance of this alteration remains unclear.

PreventionGenetics, part of Exact Sciences
Classification: Likely benign for CFTR-related condition. Last evaluated: 2023-07-24. Review status: no assertion criteria provided. Collection method: clinical testing. Allele origin: germline. Not counted in ClinVar's aggregate classification.
Comment: This variant is classified as likely benign based on ACMG/AMP sequence variant interpretation guidelines (Richards et al. 2015 PMID: 25741868, with internal and published modifications).